The following is an entry in ClinVar:

ClinVar aggregate classification (germline): Pathogenic. Review status: criteria provided, multiple submitters, no conflicts (2 of 4 stars). 2 submissions from 2 submitters: Pathogenic (2). Last evaluated 2024-06-27.

Conditions:
Au-Kline syndrome. Also called: Okamoto syndrome; Neurodevelopmental disorder-craniofacial dysmorphism-cardiac defect-hip dysplasia syndrome due to a point mutation. Identifiers: Orphanet 2729, Orphanet 453499, Orphanet 453504, MedGen C4225274, MONDO:0014700, OMIM 616580.

Submissions (2):

3billion
Classification: Pathogenic for Au-Kline syndrome. Last evaluated: 2024-06-27. Review status: criteria provided, single submitter. Criteria: ACMG Guidelines, 2015. Collection method: clinical testing. Allele origin: germline. Affected: yes.
Comment: The variant is not observed in the gnomAD v4.0.0 dataset. Predicted Consequence/Location: Canonical splice site: predicted to alter splicing and result in a loss or disruption of normal protein function. Multiple pathogenic loss-of-function variants are reported downstream of the variant. In silico tools predict the variant to alter splicing and produce an abnormal transcript [SpliceAI: 0.97 (spliceogenicity >=0.2, non-spliceogenicity <0.1)]. The variant has been reported to be associated with HNRNPK-related disorder (ClinVar ID: VCV002501876 /PMID: 33874999). Therefore, this variant is classified as Pathogenic according to the recommendation of ACMG/AMP guideline.

GeneDx
Classification: Pathogenic. Last evaluated: 2022-11-09. Review status: criteria provided, single submitter. Criteria: GeneDx Variant Classification Process June 2021. Collection method: clinical testing. Allele origin: germline. Affected: yes.
Comment: Canonical splice site variant predicted to result in a null allele in a gene for which loss of function is a known mechanism of disease; Not observed at significant frequency in large population cohorts (gnomAD); This variant is associated with the following publications: (PMID: 33874999, 35422839)

Literature cited by the submitters: PubMed 33874999 (cited by 3billion).

NM_031263.4(HNRNPK):c.1108+1G>T

Gene: HNRNPK (heterogeneous nuclear ribonucleoprotein K; minus strand). Cytogenetic location: 9q21.32.
Variant type: single nucleotide variant.
Coding change: c.1108+1G>T on transcript NM_031263.4 (MANE Select); the canonical splice donor site of the intron after coding-DNA position 1108, G replaced by T.
Molecular consequence: splice donor variant.
Genome position (GRCh38, 1-based): chr9:83,970,896, C>A on the plus strand (G>T on the coding strand, the complement: HNRNPK is on the minus strand). VCF-style: chr9-83970896-C-A. GRCh37 (hg19) VCF-style: chr9-86585811-C-A.
Other names: c.1108+1G>T (NM_031262.4, NM_002140.5, NM_001318188.2); c.1036+1G>T (NM_001318186.2, NM_001318187.2).
Identifiers: ClinVar variation 2501876 (VCV002501876.2), dbSNP rs2491957897, ClinGen allele CA373920764.